The following is an entry in ClinVar:

NM_000154.2(GALK1):c.871dup (p.Ala291fs)

Gene: GALK1 (galactokinase 1; minus strand). Cytogenetic location: 17q25.1.
Variant type: Duplication.
Coding change: c.871dup on transcript NM_000154.2 (MANE Select); coding-DNA position 871, one base duplicated (G; older notation c.871dupG).
Protein change: p.Ala291fs; shifts the reading frame from alanine 291.
Molecular consequence: frameshift variant.
Genome position (GRCh38, 1-based): chr17:75,758,522, C duplicated on the plus strand (G on the coding strand, the reverse complement: GALK1 is on the minus strand); the first of 2 consecutive C bases (chr17:75,758,522-75,758,523); duplicating either gives the same sequence. VCF-style (leftmost placement, unchanged base first): chr17-75758521-G-GC. GRCh37 (hg19) VCF-style: chr17-73754602-G-GC.
Other names: c.871dup, p.Ala291fs (NM_001381985.1); short protein forms A291fs.
Identifiers: ClinVar variation 4817614 (VCV004817614.1).

ClinVar aggregate classification (germline): Likely pathogenic (1 of 4 stars; one submission).

Conditions:
Deficiency of galactokinase. Also called: Galactokinase deficiency with cataracts; GALACTOSEMIA II. Identifiers: Orphanet 352, Orphanet 79237, MedGen C0268155, MONDO:0009255, OMIM 230200.

Submission:

Natera, Inc.
Classification: Likely pathogenic for Deficiency of galactokinase. Last evaluated: 2025-09-09. Review status: criteria provided, single submitter. Criteria: Natera Variant Classification Schema (03/2026). Collection method: clinical testing. Allele origin: germline.
Comment: The c.871dup variant in GALK1 is a frameshift variant predicted to shift the reading frame beginning at codon 291 and leads to a stop codon 29 codons downstream. This variant is expected to result in nonsense mediated decay, truncation, or a dysfunctional protein product. This variant is rare in the general population with a frequency below the threshold expected for the associated phenotype(s). Given the available evidence, this variant is classified as Likely Pathogenic.